The following is an entry in ClinVar:

NM_001283009.2(RTEL1):c.1533C>G (p.Ile511Met)

Genes: RTEL1 (regulator of telomere elongation helicase 1; plus strand), RTEL1-TNFRSF6B (RTEL1-TNFRSF6B readthrough (NMD candidate); plus strand). Cytogenetic location: 20q13.33.
Variant type: single nucleotide variant.
Coding change: c.1533C>G on transcript NM_001283009.2 (MANE Select); coding-DNA position 1533, C replaced by G.
Protein change: p.Ile511Met; replaces isoleucine 511 with methionine.
Molecular consequence: missense variant. On other transcripts: non-coding transcript variant (1).
Genome position (GRCh38, 1-based): chr20:63,687,988, C>G. VCF-style: chr20-63687988-C-G. GRCh37 (hg19) VCF-style: chr20-62319341-C-G.
Other names: c.864C>G, p.Ile288Met (NM_001283010.1); c.1533C>G, p.Ile511Met (NM_016434.4); c.1605C>G, p.Ile535Met (NM_032957.5); short protein forms I511M, I288M, I535M.
Identifiers: ClinVar variation 4629579 (VCV004629579.1).

ClinVar aggregate classification (germline): Uncertain significance (1 of 4 stars; one submission).

Conditions:
Inborn genetic diseases. Identifiers: MedGen C0950123, MeSH D030342.

Submission:

Ambry Genetics
Classification: Uncertain significance for Inborn genetic diseases. Last evaluated: 2025-10-28. Review status: criteria provided, single submitter. Criteria: Ambry Variant Classification Scheme 2023. Collection method: clinical testing. Allele origin: germline.
Comment: The p.I511M variant (also known as c.1533C>G), located in coding exon 17 of the RTEL1 gene, results from a C to G substitution at nucleotide position 1533. The isoleucine at codon 511 is replaced by methionine, an amino acid with highly similar properties. This amino acid position is conserved. In addition, the in silico prediction for this alteration is inconclusive. Based on the available evidence, the clinical significance of this variant remains unclear.